The following is an entry in ClinVar:

NM_176787.5(PIGN):c.2427-1G>A

Gene: PIGN (phosphatidylinositol glycan anchor biosynthesis class N; minus strand). Cytogenetic location: 18q21.33.
Variant type: single nucleotide variant.
Coding change: c.2427-1G>A on transcript NM_176787.5 (MANE Select); the canonical splice acceptor site of the intron before coding-DNA position 2427, G replaced by A.
Molecular consequence: splice acceptor variant.
Genome position (GRCh38, 1-based): chr18:62,084,607, C>T on the plus strand (G>A on the coding strand, the complement: PIGN is on the minus strand). VCF-style: chr18-62084607-C-T. GRCh37 (hg19) VCF-style: chr18-59751840-C-T.
Other names: c.2427-1G>A (NM_012327.6).
Identifiers: ClinVar variation 2705895 (VCV002705895.3), dbSNP rs2512423093, ClinGen allele CA402601429.
Genomic context (GRCh38, chr18:62,084,607, plus strand): 5'-GCTCCCATCATAAAAGGACTGAACACAGTCAGAAAGCAATAGACAGAGGCAAGATCAAAG[C>T]TAGGGAATTATAACAAGGAAAAAGAATTTAGAATTCACTCTGTAACTTTAAAAGAATATT-3'

ClinVar aggregate classification (germline): Likely pathogenic (1 of 4 stars; one submission).

Conditions:
Multiple congenital anomalies-hypotonia-seizures syndrome 1 (MCAHS1). Also called: Congenital disorder of glycosylation due to PIGN deficiency; PIGN-CDG; GLYCOSYLPHOSPHATIDYLINOSITOL BIOSYNTHESIS DEFECT 3. Identifiers: Orphanet 280633, MedGen C3279775, MONDO:0013563, OMIM 614080.

Submission:

Labcorp Genetics (formerly Invitae), Labcorp
Classification: Likely pathogenic for Multiple congenital anomalies-hypotonia-seizures syndrome 1. Last evaluated: 2024-06-16. Review status: criteria provided, single submitter. Criteria: Invitae Variant Classification Sherloc (09022015). Collection method: clinical testing. Allele origin: germline.
Comment: This sequence change affects an acceptor splice site in intron 26 of the PIGN gene. It is expected to disrupt RNA splicing. Variants that disrupt the donor or acceptor splice site typically lead to a loss of protein function (PMID: 16199547), and loss-of-function variants in PIGN are known to be pathogenic (PMID: 24253414, 27038415). This variant is not present in population databases (gnomAD no frequency). This variant has not been reported in the literature in individuals affected with PIGN-related conditions. Algorithms developed to predict the effect of sequence changes on RNA splicing suggest that this variant may disrupt the consensus splice site. In summary, the currently available evidence indicates that the variant is pathogenic, but additional data are needed to prove that conclusively. Therefore, this variant has been classified as Likely Pathogenic.

Literature cited by the submitters: PubMed 16199547; PubMed 24253414; PubMed 27038415.